The following is an entry in ClinVar:

ClinVar aggregate classification (germline): Conflicting classifications of pathogenicity. Review status: criteria provided, conflicting classifications (1 of 4 stars). 4 submissions from 4 submitters: Uncertain significance (1); Likely benign (3). Last evaluated 2025-06-22.

Conditions:
Long QT syndrome (LQTS). Identifiers: MedGen C0023976, MeSH D008133, MONDO:0002442. Disease mechanism: loss of function. Inheritance: Various modes of inheritance.
Cardiovascular phenotype. Identifiers: MedGen CN230736.

Allele frequency attached by ClinVar (database versions not stated): ExAC 0.00003; ESP Exome Variant Server 0.00008; gnomAD 0.00013 and 0.00014; TOPMed 0.00017.
gnomAD v4.1: 57 of 1,613,612 alleles (0.0035%); highest among the groups gnomAD compares: Admixed American, 0.047%; no homozygotes.

Submissions (4):

Labcorp Genetics (formerly Invitae), Labcorp
Classification: Likely benign for Long QT syndrome. Last evaluated: 2025-06-22. Review status: criteria provided, single submitter. Criteria: Invitae Variant Classification Sherloc (09022015). Collection method: clinical testing. Allele origin: germline.

Molecular Diagnostic Laboratory for Inherited Cardiovascular Disease, Montreal Heart Institute
Classification: Likely benign. Last evaluated: 2025-04-09. Review status: criteria provided, single submitter. Criteria: ACMG Guidelines, 2015. Collection method: clinical testing. Allele origin: germline. Affected: no.

Ambry Genetics
Classification: Uncertain significance for Cardiovascular phenotype. Last evaluated: 2020-08-26. Review status: criteria provided, single submitter. Criteria: Ambry Variant Classification Scheme 2023. Collection method: clinical testing. Allele origin: germline.
Comment: The c.4075-4C>A intronic variant results from a C to A substitution 4 nucleotides upstream from coding exon 33 in the CACNA1C gene. This nucleotide position is well conserved in available vertebrate species. In silico splice site analysis predicts that this alteration will not have any significant effect on splicing. Since supporting evidence is limited at this time, the clinical significance of this alteration remains unclear.

GeneDx
Classification: Likely benign. Last evaluated: 2020-04-06. Review status: criteria provided, single submitter. Criteria: GeneDx Variant Classification Process June 2021. Collection method: clinical testing. Allele origin: germline. Affected: yes.

NM_000719.7(CACNA1C):c.4075-4C>A

Gene: CACNA1C (calcium voltage-gated channel subunit alpha1 C; plus strand). Cytogenetic location: 12p13.33.
Variant type: single nucleotide variant.
Coding change: c.4075-4C>A on transcript NM_000719.7 (MANE Select); 4 bases into the intron before coding-DNA position 4075, C replaced by A.
Molecular consequence: intron variant.
Genome position (GRCh38, 1-based): chr12:2,653,831, C>A. VCF-style: chr12-2653831-C-A. GRCh37 (hg19) VCF-style: chr12-2762997-C-A.
Other names: c.4219-4C>A (NM_199460.3, NM_199460.4, NM_001129827.2); c.4075-4C>A (NM_001167624.3, NM_001167623.2, NM_001129840.2 and 7 more transcripts); c.4042-4C>A (NM_001167625.2, NM_001129837.2, NM_001129838.2 and 1 more transcripts); c.4135-4C>A (NM_001129832.2); c.4159-4C>A (NM_001129831.2); c.4141-4C>A (NM_001129829.2); c.4036-4C>A (NM_001129839.2); c.4126-4C>A (NM_001129836.2); and 1 more.
Identifiers: ClinVar variation 263448 (VCV000263448.17), dbSNP rs369044605, ClinGen allele CA6389468.
Genomic context (GRCh38, chr12:2,653,831, plus strand): 5'-TGGGAAGGGGCCCAGCTGGCCTCTGCACTCCAGCCTCATGGGAGTCTCCTGCACTTCCTT[C>A]CAGGCCCTGCCCTATGTGGCCCTCCTGATCGTGATGCTGTTCTTCATCTACGCGGTGATC-3'